The following is an entry in ClinVar:

ClinVar aggregate classification (germline): Uncertain significance. Review status: criteria provided, multiple submitters, no conflicts (2 of 4 stars). 3 submissions from 3 submitters: Uncertain significance (3). Last evaluated 2023-10-03.

Conditions:
Developmental and epileptic encephalopathy, 69. Also called: EPILEPTIC ENCEPHALOPATHY, EARLY INFANTILE, 69. Identifiers: MedGen C4748988, MONDO:0032657, OMIM 618285.

Allele frequency attached by ClinVar (database versions not stated): gnomAD exomes below 0.00001.
gnomAD v4.1: 6 of 1,614,018 alleles (0.00037%); highest among the groups gnomAD compares: East Asian, 0.0022%; no homozygotes.

Submissions (3):

Labcorp Genetics (formerly Invitae), Labcorp
Classification: Uncertain significance. Last evaluated: 2023-10-03. Review status: criteria provided, single submitter. Criteria: Invitae Variant Classification Sherloc (09022015). Collection method: clinical testing. Allele origin: germline.
Comment: This sequence change replaces alanine, which is neutral and non-polar, with valine, which is neutral and non-polar, at codon 1171 of the CACNA1E protein (p.Ala1171Val). This variant is not present in population databases (gnomAD no frequency). This variant has not been reported in the literature in individuals affected with CACNA1E-related conditions. ClinVar contains an entry for this variant (Variation ID: 1462240). Advanced modeling of protein sequence and biophysical properties (such as structural, functional, and spatial information, amino acid conservation, physicochemical variation, residue mobility, and thermodynamic stability) has been performed at Invitae for this missense variant, however the output from this modeling did not meet the statistical confidence thresholds required to predict the impact of this variant on CACNA1E protein function. In summary, the available evidence is currently insufficient to determine the role of this variant in disease. Therefore, it has been classified as a Variant of Uncertain Significance.

Genome-Nilou Lab
Classification: Uncertain significance for Developmental and epileptic encephalopathy, 69. Last evaluated: 2023-04-11. Review status: criteria provided, single submitter. Criteria: ACMG Guidelines, 2015. Collection method: clinical testing. Allele origin: germline. Affected: no.

GeneDx
Classification: Uncertain significance. Last evaluated: 2022-06-28. Review status: criteria provided, single submitter. Criteria: GeneDx Variant Classification Process June 2021. Collection method: clinical testing. Allele origin: germline. Affected: yes.
Comment: In silico analysis supports that this missense variant has a deleterious effect on protein structure/function; Has not been previously published as pathogenic or benign to our knowledge

NM_001205293.3(CACNA1E):c.3512C>T (p.Ala1171Val)

Gene: CACNA1E (calcium voltage-gated channel subunit alpha1 E; plus strand). Cytogenetic location: 1q25.3.
Variant type: single nucleotide variant.
Coding change: c.3512C>T on transcript NM_001205293.3 (MANE Select); coding-DNA position 3512, C replaced by T.
Protein change: p.Ala1171Val; replaces alanine 1171 with valine.
Molecular consequence: missense variant.
Genome position (GRCh38, 1-based): chr1:181,737,614, C>T. VCF-style: chr1-181737614-C-T. GRCh37 (hg19) VCF-style: chr1-181706750-C-T.
Other names: c.3512C>T, p.Ala1171Val (NM_000721.4); c.3455C>T, p.Ala1152Val (NM_001205294.2); short protein forms A1152V, A1171V.
Identifiers: ClinVar variation 1462240 (VCV001462240.10), dbSNP rs968528269, ClinGen allele CA33818584.